The following is an entry in ClinVar:

NM_002334.4(LRP4):c.5504dup (p.Leu1836fs)

Genes: LRP4 (LDL receptor related protein 4; minus strand), LRP4-AS1 (LRP4 antisense RNA 1; plus strand). Cytogenetic location: 11p11.2.
Variant type: Duplication.
Coding change: c.5504dup on transcript NM_002334.4 (MANE Select); coding-DNA position 5504, one base duplicated (G; older notation c.5504dupG).
Protein change: p.Leu1836fs; shifts the reading frame from leucine 1836.
Molecular consequence: frameshift variant.
Genome position (GRCh38, 1-based): chr11:46,859,197, C duplicated on the plus strand (G on the coding strand, the reverse complement: LRP4 is on the minus strand); the first of 7 consecutive C bases (chr11:46,859,197-46,859,203); duplicating any one gives the same sequence. VCF-style (leftmost placement, unchanged base first): chr11-46859196-G-GC. GRCh37 (hg19) VCF-style: chr11-46880747-G-GC.
Other names: short protein forms L1836fs.
Identifiers: ClinVar variation 1809655 (VCV001809655.6), dbSNP rs745628337, ClinGen allele CA5969002.

ClinVar aggregate classification (germline): Uncertain significance. Review status: criteria provided, multiple submitters, no conflicts (2 of 4 stars). 3 submissions from 3 submitters: Uncertain significance (3). Last evaluated 2024-11-21.

Conditions:
Cenani-Lenz syndactyly syndrome. Also called: SYNDACTYLY, TYPE VII; CENANI SYNDACTYLISM. Identifiers: Orphanet 3258, MedGen C1859309, MONDO:0008931, OMIM 212780.
Congenital myasthenic syndrome 17. Identifiers: Orphanet 590, MedGen C4225377, MONDO:0014578, OMIM 616304.
Sclerosteosis 2 (SOST2). Identifiers: Orphanet 3152, MedGen C3280402, MONDO:0013679, OMIM 614305.

Submissions (3):

Blueprint Genetics
Classification: Uncertain significance. Last evaluated: 2024-11-21. Review status: criteria provided, single submitter. Criteria: ACMG Guidelines, 2015. Collection method: clinical testing. Allele origin: germline.

Dubai Health Genomic Medicine Center, Dubai Health
Classification: Uncertain significance. Last evaluated: 2022-12-17. Review status: criteria provided, single submitter. Criteria: ACMG Guidelines, 2015. Collection method: clinical testing. Allele origin: germline. Affected: yes.

Labcorp Genetics (formerly Invitae), Labcorp
Classification: Uncertain significance for Cenani-Lenz syndactyly syndrome; Sclerosteosis 2; Congenital myasthenic syndrome 17. Last evaluated: 2022-04-12. Review status: criteria provided, single submitter. Criteria: Invitae Variant Classification Sherloc (09022015). Collection method: clinical testing. Allele origin: germline.
Comment: This sequence change creates a premature translational stop signal (p.Leu1836Profs*24) in the LRP4 gene. While this is not anticipated to result in nonsense mediated decay, it is expected to disrupt the last 70 amino acid(s) of the LRP4 protein. The frequency data for this variant in the population databases is considered unreliable, as metrics indicate poor data quality at this position in the gnomAD database. This variant has not been reported in the literature in individuals affected with LRP4-related conditions. In summary, the available evidence is currently insufficient to determine the role of this variant in disease. Therefore, it has been classified as a Variant of Uncertain Significance.